The following is an entry in ClinVar:

ClinVar aggregate classification (germline): Pathogenic (1 of 4 stars; one submission).

Conditions:
Propionic acidemia (PROP). Also called: GLYCINEMIA, KETOTIC; HYPERGLYCINEMIA WITH KETOACIDOSIS AND LEUKOPENIA; KETOTIC HYPERGLYCINEMIA. Identifiers: Orphanet 35, MedGen C0268579, MONDO:0011628, OMIM 606054, HP:0003571.

Submission:

Myriad Genetics, Inc.
Classification: Pathogenic for Propionic acidemia. Last evaluated: 2025-03-11. Review status: criteria provided, single submitter. Criteria: Myriad Autosomal Dominant, Autosomal Recessive and X-Linked Classification Criteria (2023). Collection method: clinical testing. Allele origin: unknown.
Comment: NM_000532.4(PCCB):c.1218_1219delGGinsTAGA(G407Rfs*37) is expected to be pathogenic in the context of PCCB-related propionic acidemia. This variant is predicted to lead to an abnormal or absent protein product due to the creation of a premature termination codon in PCCB, a gene where loss-of-function variants are known to be pathogenic. Please note: this variant was assessed in the context of healthy population screening.

NM_000532.5(PCCB):c.1218_1219delinsTAGA (p.Gly407fs)

Gene: PCCB (propionyl-CoA carboxylase subunit beta; plus strand). Cytogenetic location: 3q22.3.
Variant type: Indel.
Coding change: c.1218_1219delinsTAGA on transcript NM_000532.5 (MANE Select); coding-DNA positions 1218 to 1219, GG replaced by TAGA.
Protein change: p.Gly407fs; shifts the reading frame from glycine 407.
Molecular consequence: frameshift variant.
Genome position (GRCh38, 1-based): chr3:136,327,174-136,327,175, GG replaced by TAGA. VCF-style: chr3-136327174-GG-TAGA. GRCh37 (hg19) VCF-style: chr3-136046016-GG-TAGA.
Other names: c.1278_1279delinsTAGA, p.Gly427fs (NM_001178014.2); short protein forms G407fs, G427fs.
Identifiers: ClinVar variation 5014202 (VCV005014202.1).
Genomic context (GRCh38, chr3:136,327,174, plus strand): 5'-TGAGGACTTGTGGGTATCTAGTAACTCTTCCTCATGTCTAGGCACAGCACAGGAATACGG[GG>TAGA]GCATCATCCGGCATGGTGCCAAGCTTCTCTACGCATTTGCTGAGGCAACTGTACCCAAAG-3'